The following is an entry in ClinVar:

NM_017947.4(MOCOS):c.1088_1089del (p.Leu363fs)

Gene: MOCOS (molybdenum cofactor sulfurase; plus strand). Cytogenetic location: 18q12.2.
Variant type: Microsatellite.
Coding change: c.1088_1089del on transcript NM_017947.4 (MANE Select); coding-DNA positions 1088 to 1089, 2 bases deleted (TC; older notation c.1088_1089delTC).
Protein change: p.Leu363fs; shifts the reading frame from leucine 363.
Molecular consequence: frameshift variant.
Genome position (GRCh38, 1-based): chr18:36,205,146-36,205,147, TC deleted; deleting any 2 consecutive bases within chr18:36,205,141-36,205,147 gives the same sequence; the c. name uses the placement nearest the transcript's 3' end. VCF-style (leftmost placement, unchanged base first): chr18-36205140-CCT-C. GRCh37 (hg19) VCF-style: chr18-33785103-CCT-C.
Other names: short protein forms L363fs.
Identifiers: ClinVar variation 1017655 (VCV001017655.14), dbSNP rs761752580, ClinGen allele CA8940619.
Genomic context (GRCh38, chr18:36,205,140, plus strand): 5'-GAATGGAGAATATAAAGCAGCACACCTTCACCTTGGCTCAGTATACCTACGTGGCCCTGT[CCT>C]CTCTCCAGTACCCCAATGGAGCCCCTGTGGTGCGGATTTACAGCGATTCTGAGTTCAGCA-3'

ClinVar aggregate classification (germline): Conflicting classifications of pathogenicity. Review status: criteria provided, conflicting classifications (1 of 4 stars). 5 submissions from 5 submitters: Pathogenic (1); Likely pathogenic (3); Uncertain significance (1). Last evaluated 2026-01-20.

Conditions:
Xanthinuria type II. Also called: Xanthine dehydrogenase and aldehyde oxidase combined deficiency of; XDH and AOX dual deficiency. Identifiers: Orphanet 3467, Orphanet 93602, MedGen C1863688, MONDO:0011346, OMIM 603592.
MOCOS-related disorder. Also called: MOCOS-related condition.

Submissions (5):

Labcorp Genetics (formerly Invitae), Labcorp
Classification: Pathogenic for Xanthinuria type II. Last evaluated: 2026-01-20. Review status: criteria provided, single submitter. Criteria: Invitae Variant Classification Sherloc (09022015). Collection method: clinical testing. Allele origin: germline.
Comment: This sequence change creates a premature translational stop signal (p.Leu363Profs*16) in the MOCOS gene. It is expected to result in an absent or disrupted protein product. Loss-of-function variants in MOCOS are known to be pathogenic (PMID: 11302742, 17368066). This variant is present in population databases (rs761752580, gnomAD 0.09%), and has an allele count higher than expected for a pathogenic variant. This variant has not been reported in the literature in individuals affected with MOCOS-related conditions. For these reasons, this variant has been classified as Pathogenic.

PreventionGenetics, part of Exact Sciences
Classification: Likely pathogenic for MOCOS-related condition. Last evaluated: 2025-10-06. Review status: criteria provided, single submitter. Criteria: ACMG Guidelines, 2015. Collection method: clinical testing. Allele origin: germline.
Comment: The MOCOS c.1088_1089delTC variant is predicted to result in a frameshift and premature protein termination (p.Leu363Profs*16). This variant was reported in the compound heterozygous state in an individual with xanthinuria type II (Peretz et al. 2021. PubMed ID: 34356852). This variant is reported in 0.088% of alleles in individuals of South Asian descent in gnomAD. Frameshift variants in MOCOS are expected to be pathogenic. This variant is interpreted as likely pathogenic.

Blueprint Genetics
Classification: Uncertain significance. Last evaluated: 2024-11-06. Review status: criteria provided, single submitter. Criteria: ACMG Guidelines, 2015. Collection method: clinical testing. Allele origin: germline.

Fulgent Genetics
Classification: Likely pathogenic for Xanthinuria type II. Last evaluated: 2021-06-30. Review status: criteria provided, single submitter. Criteria: ACMG Guidelines, 2015. Collection method: clinical testing. Allele origin: unknown.
Comment: This variant has been detected in individual(s) who were sent for testing of Renasight - kidney gene panel.

Neuberg Centre For Genomic Medicine, NCGM
Classification: Likely pathogenic for Xanthinuria type II. Review status: criteria provided, single submitter. Criteria: ACMG Guidelines, 2015. Collection method: clinical testing. Allele origin: germline. Inheritance: Autosomal recessive inheritance. Affected: yes.
Comment: The observed frameshift variant c.1088_1089del (p.Leu363ProfsTer16) in MOCOS gene has been reported previously in compound heterozygous homozygous in an individual affected with Xanthinuria (Peretz et al. 2021). The p.Leu363ProfsTer16 variant is present with an allele frequency of 0.05% (121 heterozygotes) in the gnomAD exomes database. This variant has been submitted to the ClinVar database as Pathogenic / Likely Pathogenic. This variant causes a frameshift starting with codon Leucine 363, changes this amino acid to Proline residue, and creates a premature Stop codon at position 16 of the new reading frame, denoted p.Leu363ProfsTer16. This variant is predicted to cause loss of normal protein function through protein truncation. Loss of function variants in MOCOS gene have been previously reported to be disease causing. Additional studies will be required to prove the pathogenicity of this variant. For these reasons, this variant has been classified as Likely Pathogenic.

Literature cited by the submitters: PubMed 11302742 (cited by Labcorp Genetics (formerly Invitae), Labcorp); PubMed 17368066 (cited by Labcorp Genetics (formerly Invitae), Labcorp).